The following is an entry in ClinVar:

NM_004655.4(AXIN2):c.815+9_815+10del

Gene: AXIN2 (axin 2; minus strand). Cytogenetic location: 17q24.1.
Variant type: Deletion.
Coding change: c.815+9_815+10del on transcript NM_004655.4 (MANE Select); bases 9 to 10 of the intron after coding-DNA position 815, 2 bases deleted (TT; older notation c.815+9_815+10delTT).
Molecular consequence: intron variant.
Genome position (GRCh38, 1-based): chr17:65,557,796-65,557,797, AA deleted on the plus strand (TT on the coding strand, the reverse complement: AXIN2 is on the minus strand); deleting any 2 consecutive bases within chr17:65,557,796-65,557,798 gives the same sequence; the c. name uses the placement nearest the transcript's 3' end. VCF-style (leftmost placement, unchanged base first): chr17-65557795-CAA-C. GRCh37 (hg19) VCF-style: chr17-63553913-CAA-C.
Other names: c.815+9_815+10del (NM_001363813.1, LRG_296t1); c.815+9_815+10delTT (NM_004655.3).
Identifiers: ClinVar variation 464642 (VCV000464642.12), dbSNP rs1399979602, ClinGen allele CA626911310.

ClinVar aggregate classification (germline): Conflicting classifications of pathogenicity. Review status: criteria provided, conflicting classifications (1 of 4 stars). 3 submissions from 3 submitters: Uncertain significance (1); Likely benign (2). Last evaluated 2025-10-07.

Conditions:
Oligodontia-cancer predisposition syndrome. Also called: TOOTH AGENESIS-COLORECTAL CANCER SYNDROME. Identifiers: Orphanet 300576, MedGen C1837750, MONDO:0012075, OMIM 608615. Disease mechanism: loss of function.

Submissions (3):

Quest Diagnostics Nichols Institute San Juan Capistrano
Classification: Uncertain significance. Last evaluated: 2025-10-07. Review status: criteria provided, single submitter. Criteria: Quest Diagnostics criteria. Collection method: clinical testing. Allele origin: unknown.
Comment: The AXIN2 c.815+9_815+10del variant has not been reported in individuals with AXIN2-related conditions in the published literature. The frequency of this variant in the general population (Genome Aggregation Database) is uninformative in the assessment of its pathogenicity. Analysis of this variant using software algorithms for the prediction of the effect of nucleotide changes on splicing yielded predictions that this variant does not affect AXIN2 mRNA splicing. Based on the available information, we are unable to determine the clinical significance of this variant.

Labcorp Genetics (formerly Invitae), Labcorp
Classification: Likely benign for Oligodontia-cancer predisposition syndrome. Last evaluated: 2025-07-31. Review status: criteria provided, single submitter. Criteria: Invitae Variant Classification Sherloc (09022015). Collection method: clinical testing. Allele origin: germline.

Myriad Genetics, Inc.
Classification: Likely benign for Oligodontia-cancer predisposition syndrome. Last evaluated: 2024-06-27. Review status: criteria provided, single submitter. Criteria: Myriad Autosomal Dominant, Autosomal Recessive and X-Linked Classification Criteria (2023). Collection method: clinical testing. Allele origin: unknown.
Comment: This variant is considered likely benign. This variant is intronic and is not expected to impact mRNA splicing.